The following is an entry in ClinVar:

NM_031471.6(FERMT3):c.700C>T (p.Arg234Trp)

Gene: FERMT3 (FERM domain containing kindlin 3; plus strand). Cytogenetic location: 11q13.1.
Variant type: single nucleotide variant.
Coding change: c.700C>T on transcript NM_031471.6 (MANE Select); coding-DNA position 700, C replaced by T.
Protein change: p.Arg234Trp; replaces arginine 234 with tryptophan.
Molecular consequence: missense variant.
Genome position (GRCh38, 1-based): chr11:64,211,661, C>T. VCF-style: chr11-64211661-C-T. GRCh37 (hg19) VCF-style: chr11-63979133-C-T.
Other names: c.700C>T (NM_031471.5); c.700C>T, p.Arg234Trp (NM_001382361.1, NM_001382362.1, NM_001382448.1 and 1 more transcripts); c.160C>T, p.Arg54Trp (NM_001382363.1, NM_001382364.1); short protein forms R234W, R54W.
Identifiers: ClinVar variation 1909703 (VCV001909703.6), dbSNP rs1260750258, ClinGen allele CA381083043.

ClinVar aggregate classification (germline): Uncertain significance. Review status: criteria provided, multiple submitters, no conflicts (2 of 4 stars). 2 submissions from 2 submitters: Uncertain significance (2). Last evaluated 2024-04-23.

Conditions:
Inborn genetic diseases. Identifiers: MedGen C0950123, MeSH D030342.
Leukocyte adhesion deficiency 3. Also called: INTEGRIN ACTIVATION DEFICIENCY DISEASE; LEUKOCYTE ADHESION DEFICIENCY 1 VARIANT; Leukocyte adhesion deficiency, type III. Identifiers: Orphanet 2968, Orphanet 99844, MedGen C2748536, MONDO:0013016, OMIM 612840.

Allele frequency attached by ClinVar (database versions not stated): TOPMed below 0.00001.
gnomAD v4.1: 11 of 1,614,102 alleles (0.00068%); highest among the groups gnomAD compares: South Asian, 0.0011%; no homozygotes.

Submissions (2):

Ambry Genetics
Classification: Uncertain significance for Inborn genetic diseases. Last evaluated: 2024-04-23. Review status: criteria provided, single submitter. Criteria: Ambry Variant Classification Scheme 2023. Collection method: clinical testing. Allele origin: germline.

Labcorp Genetics (formerly Invitae), Labcorp
Classification: Uncertain significance for Leukocyte adhesion deficiency 3. Last evaluated: 2022-02-25. Review status: criteria provided, single submitter. Criteria: Invitae Variant Classification Sherloc (09022015). Collection method: clinical testing. Allele origin: germline.
Comment: Algorithms developed to predict the effect of missense changes on protein structure and function are either unavailable or do not agree on the potential impact of this missense change (SIFT: "Deleterious"; PolyPhen-2: "Probably Damaging"; Align-GVGD: "Class C0"). In summary, the available evidence is currently insufficient to determine the role of this variant in disease. Therefore, it has been classified as a Variant of Uncertain Significance. This variant has not been reported in the literature in individuals affected with FERMT3-related conditions. This variant is not present in population databases (gnomAD no frequency). This sequence change replaces arginine, which is basic and polar, with tryptophan, which is neutral and slightly polar, at codon 234 of the FERMT3 protein (p.Arg234Trp).